The following is an entry in ClinVar:

NM_001244008.2(KIF1A):c.5025G>A (p.Pro1675=)

Gene: KIF1A (kinesin family member 1A; minus strand). Cytogenetic location: 2q37.3.
Variant type: single nucleotide variant.
Coding change: c.5025G>A on transcript NM_001244008.2 (MANE Select); coding-DNA position 5025, G replaced by A.
Protein change: p.Pro1675=; no amino-acid change (proline 1675 retained).
Molecular consequence: synonymous variant.
Genome position (GRCh38, 1-based): chr2:240,719,195, C>T on the plus strand (G>A on the coding strand, the complement: KIF1A is on the minus strand). VCF-style: chr2-240719195-C-T. GRCh37 (hg19) VCF-style: chr2-241658612-C-T.
Other names: c.5025G>A (NM_001244008.1); c.4749G>A, p.Pro1583= (NM_001320705.2, NM_001379649.1); c.4776G>A, p.Pro1592= (NM_001330289.2); c.4824G>A, p.Pro1608= (NM_001330290.2, NM_001379648.1); c.5100G>A, p.Pro1700= (NM_001379631.1); c.5001G>A, p.Pro1667= (NM_001379632.1); c.4998G>A, p.Pro1666= (NM_001379633.1, NM_001379645.1); c.4851G>A, p.Pro1617= (NM_001379634.1); and 8 more.
Identifiers: ClinVar variation 335255 (VCV000335255.46), dbSNP rs148176695, ClinGen allele CA2207193.

ClinVar aggregate classification (germline): Conflicting classifications of pathogenicity. Review status: criteria provided, conflicting classifications (1 of 4 stars). 7 submissions from 7 submitters: Uncertain significance (1); Benign (2); Likely benign (4). Last evaluated 2026-01-28.

Conditions:
Inborn genetic diseases. Identifiers: MedGen C0950123, MeSH D030342.
Hereditary spastic paraplegia 30. Identifiers: Orphanet 101010, MedGen C5235139, MONDO:0012476.
Neuropathy, hereditary sensory, type 2C. Also called: KIF1A-Related HSAN2 (HSAN2C); Hereditary sensory and autonomic neuropathy type IIC. Identifiers: Orphanet 970, MedGen C3280168, MONDO:0013634, OMIM 614213.
Intellectual disability, autosomal dominant 9 (NESCAVS). Also called: NESCAV SYNDROME; KIF1A-Related Neurodevelopmental Disorder. Identifiers: Orphanet 662367, MedGen C5393830, MONDO:0013656, OMIM 614255.
Hereditary spastic paraplegia. Also called: Familial spastic paraparesis. Identifiers: Orphanet 685, MedGen C0037773, MONDO:0019064. Disease mechanism: loss of function.
KIF1A-related disorder. Also called: KIF1A-related disorders; KIF1A-related condition.

Allele frequency attached by ClinVar (database versions not stated): ExAC 0.00047; gnomAD exomes 0.00048; ESP Exome Variant Server 0.00079; gnomAD 0.00101 and 0.00106; TOPMed 0.00116; 1000 Genomes Project 0.00160; 1000 Genomes Project 30x 0.00187.
gnomAD v4.1: 471 of 1,603,490 alleles (0.029%); highest among the groups gnomAD compares: African/African-American, 0.38%; 3 homozygotes.

Submissions (7):

Labcorp Genetics (formerly Invitae), Labcorp
Classification: Benign for Hereditary spastic paraplegia 30; Neuropathy, hereditary sensory, type 2C; Intellectual disability, autosomal dominant 9. Last evaluated: 2026-01-28. Review status: criteria provided, single submitter. Criteria: Invitae Variant Classification Sherloc (09022015). Collection method: clinical testing. Allele origin: germline.

PreventionGenetics, part of Exact Sciences
Classification: Likely benign for KIF1A-related condition. Last evaluated: 2025-10-31. Review status: criteria provided, single submitter. Criteria: ACMG Guidelines, 2015. Collection method: clinical testing. Allele origin: germline.
Comment: This variant is classified as likely benign based on ACMG/AMP sequence variant interpretation guidelines (Richards et al. 2015 PMID: 25741868, with internal and published modifications).

Blueprint Genetics
Classification: Likely benign. Last evaluated: 2024-07-19. Review status: criteria provided, single submitter. Criteria: ACMG Guidelines, 2015. Collection method: clinical testing. Allele origin: germline.

CeGaT Center for Human Genetics Tuebingen
Classification: Likely benign. Last evaluated: 2022-05-01. Review status: criteria provided, single submitter. Criteria: CeGaT Center For Human Genetics Tuebingen Variant Classification Criteria Version 2. Collection method: clinical testing. Allele origin: germline. Affected: yes. Observed: 1 variant allele.
Comment: KIF1A: BP4, BP7

Genome Diagnostics Laboratory, The Hospital for Sick Children
Classification: Benign for Hereditary spastic paraplegia. Last evaluated: 2019-06-01. Review status: criteria provided, single submitter. Criteria: ACMG Guidelines, 2015. Collection method: clinical testing. Allele origin: germline. Affected: yes.

Ambry Genetics
Classification: Likely benign for Inborn genetic diseases. Last evaluated: 2018-07-30. Review status: criteria provided, single submitter. Criteria: Ambry Variant Classification Scheme 2023. Collection method: clinical testing. Allele origin: germline.

Illumina Laboratory Services, Illumina
Classification: Uncertain significance for Spastic paraplegia 30A, autosomal dominant. Last evaluated: 2018-01-13. Review status: criteria provided, single submitter. Criteria: ICSL Variant Classification Criteria 13 December 2019. Collection method: clinical testing. Allele origin: germline.